The following is an entry in ClinVar:

NC_000004.11:g.(?_187207549)_(187209969_?)del

Gene: F11 (coagulation factor XI; plus strand). Cytogenetic location: 4q35.2.
Variant type: Deletion.
Identifiers: ClinVar variation 3246701 (VCV003246701.1).

ClinVar aggregate classification (germline): Pathogenic (1 of 4 stars; one submission).

Submission:

Labcorp Genetics (formerly Invitae), Labcorp
Classification: Pathogenic. Last evaluated: 2023-09-06. Review status: criteria provided, single submitter. Criteria: Invitae Variant Classification Sherloc (09022015). Collection method: clinical testing. Allele origin: unknown.
Comment: This variant is a gross deletion of the genomic region encompassing exon(s) 13-15 of the F11 gene, which includes the termination codon. This deletion extends beyond the assayed region for this gene and therefore may encompass additional genes. While this deletion is not anticipated to lead to nonsense mediated decay, it is expected to alter mRNA translation or result in a truncated protein product. This variant has not been reported in the literature in individuals affected with F11-related conditions. This variant disrupts a region of the F11 protein in which other variant(s) (p.Thr593Met) have been determined to be pathogenic (PMID: 14717969, 15749683, 17549289, 27067486). This suggests that this is a clinically significant region of the protein, and that variants that disrupt it are likely to be disease-causing. For these reasons, this variant has been classified as Pathogenic.

Literature cited by the submitters: PubMed 14717969; PubMed 15749683; PubMed 17549289; PubMed 27067486.